The following is an entry in ClinVar:

ClinVar aggregate classification (germline): Pathogenic/Likely pathogenic. Review status: criteria provided, multiple submitters, no conflicts (2 of 4 stars). 12 submissions from 12 submitters: Pathogenic (10); Likely pathogenic (2). Last evaluated 2025-12-17.

Conditions:
DNAH11-related disorders.
DNAH11-related disorder. Also called: DNAH11-related condition.
Respiratory ciliopathies including non-CF bronchiectasis.
Primary ciliary dyskinesia 7. Also called: CILIARY DYSKINESIA, PRIMARY, 7, WITH OR WITHOUT SITUS INVERSUS. Identifiers: Orphanet 244, MedGen C2678473, MONDO:0012748, OMIM 611884.
Primary ciliary dyskinesia. Also called: Ciliary dyskinesia. Identifiers: Orphanet 244, MedGen C0008780, MONDO:0016575, HP:0012265.

Allele frequency attached by ClinVar (database versions not stated): gnomAD 0.00004; TOPMed 0.00004; ExAC 0.00003; gnomAD exomes 0.00010 and 0.00003.
gnomAD v4.1: 155 of 1,613,138 alleles (0.0096%); highest among the groups gnomAD compares: Middle Eastern, 0.016%; no homozygotes.

Submissions (12):

Labcorp Genetics (formerly Invitae), Labcorp
Classification: Pathogenic for Primary ciliary dyskinesia. Last evaluated: 2025-12-17. Review status: criteria provided, single submitter. Criteria: Invitae Variant Classification Sherloc (09022015). Collection method: clinical testing. Allele origin: germline.
Comment: This sequence change creates a premature translational stop signal (p.Arg1445*) in the DNAH11 gene. It is expected to result in an absent or disrupted protein product. Loss-of-function variants in DNAH11 are known to be pathogenic (PMID: 18022865, 20513915, 22184204). This variant is present in population databases (rs72657316, gnomAD 0.005%). This premature translational stop signal has been observed in individual(s) with primary ciliary dyskinesia (PMID: 22184204). ClinVar contains an entry for this variant (Variation ID: 228332). For these reasons, this variant has been classified as Pathogenic.

GeneDx
Classification: Pathogenic. Last evaluated: 2025-09-26. Review status: criteria provided, single submitter. Criteria: GeneDx Variant Classification Process June 2021. Collection method: clinical testing. Allele origin: germline. Affected: yes.
Comment: Nonsense variant predicted to result in protein truncation or nonsense mediated decay in a gene for which loss-of-function is a known mechanism of disease; This variant is associated with the following publications: (PMID: 37860582, 40758541, 31879361, 34426522, 31589614, 35586607, 32633470, 22184204)

Ambry Genetics
Classification: Pathogenic for Primary ciliary dyskinesia. Last evaluated: 2025-09-11. Review status: criteria provided, single submitter. Criteria: Ambry Variant Classification Scheme 2023. Collection method: clinical testing. Allele origin: germline.
Comment: The p.R1445* pathogenic mutation (also known as c.4333C>T), located in coding exon 24 of the DNAH11 gene, results from a C to T substitution at nucleotide position 4333. This changes the amino acid from an arginine to a stop codon within coding exon 24. This variant has been identified in the homozygous state and/or in conjunction with other DNAH11 variant(s) in individual(s) with features consistent with primary ciliary dyskinesia (Knowles MR et al. Thorax, 2012 May;67:433-41). This alteration is expected to result in loss of function by premature protein truncation or nonsense-mediated mRNA decay. As such, this alteration is interpreted as a disease-causing mutation.

NHS Central & South Genomic Laboratory Hub
Classification: Pathogenic for Respiratory ciliopathies including non-CF bronchiectasis. Last evaluated: 2025-04-09. Review status: criteria provided, single submitter. Criteria: ACMG Guidelines, 2015. Collection method: clinical testing. Allele origin: germline. Affected: yes.

PreventionGenetics, part of Exact Sciences
Classification: Pathogenic for DNAH11-related condition. Last evaluated: 2024-12-10. Review status: criteria provided, single submitter. Criteria: ACMG Guidelines, 2015. Collection method: clinical testing. Allele origin: germline.
Comment: The DNAH11 c.4333C>T variant is predicted to result in premature protein termination (p.Arg1445*). This variant has been reported in the homozygous and compound heterozygous state in patients with primary ciliary dyskinesia (PCD) (Knowles et al. 2012. PubMed ID: 22184204; Fassad et al. 2019. PubMed ID: 31879361). This variant is reported in 0.0047% of alleles in individuals of European (Non-Finnish) descent in gnomAD. Nonsense variants in DNAH11 are expected to be pathogenic. This variant is interpreted as pathogenic.

Molecular Genetics McLendon Clinical Laboratories, University of North Carolina at Chapel Hill
Classification: Likely pathogenic for Primary ciliary dyskinesia. Last evaluated: 2024-11-27. Review status: criteria provided, single submitter. Criteria: ACMG Guidelines, 2015. Collection method: clinical testing. Allele origin: germline. Affected: yes.

Department of Pathology and Laboratory Medicine, Sinai Health System
Classification: Likely pathogenic for Primary ciliary dyskinesia 7. Last evaluated: 2023-02-10. Review status: criteria provided, single submitter. Criteria: ACMG Guidelines, 2015. Collection method: research. Allele origin: germline.

Blueprint Genetics
Classification: Pathogenic for DNAH11-related disorders. Last evaluated: 2022-09-12. Review status: criteria provided, single submitter. Criteria: ACMG Guidelines, 2015. Collection method: clinical testing. Allele origin: germline. Affected: yes. Observed: 5 variant alleles.

Clinical Genetics Laboratory, Skane University Hospital Lund
Classification: Pathogenic. Last evaluated: 2022-07-13. Review status: criteria provided, single submitter. Criteria: ACMG Guidelines, 2015. Collection method: clinical testing. Allele origin: germline. Affected: yes.

Baylor Genetics
Classification: Pathogenic for Primary ciliary dyskinesia 7. Last evaluated: 2022-04-26. Review status: criteria provided, single submitter. Criteria: ACMG Guidelines, 2015. Collection method: clinical testing. Allele origin: unknown.

Laboratory for Molecular Medicine, Mass General Brigham Personalized Medicine
Classification: Pathogenic for Primary ciliary dyskinesia. Last evaluated: 2016-01-07. Review status: criteria provided, single submitter. Criteria: LMM Criteria. Collection method: clinical testing. Allele origin: germline. Inheritance: Autosomal recessive inheritance. Observed: 2 variant alleles.
Comment: The p.Arg1445X variant in DNAH11 has been reported in 1 individual with PCD, and segregated with disease in 1 affected sibling (Knowles 2012). Both of these ind ividuals carried the variant in the homozygous state. This variant was also iden tified in 2/65366 European chromosomes by the Exome Aggregation Consortium (ExAC; dbSNP rs72657316). Although this variant has b een seen in the general population, its frequency is low enough to be consistent with a recessive carrier frequency. This nonsense variant leads to a premature termination codon at position 1445, which is predicted to lead to a truncated or absent protein. In summary, the p.Arg1445X variant meets our criteria to be cla ssified as pathogenic for PCD in an autosomal recessive manner.

Clinical Genetics Service, Universitary Hospital 12 de Octubre
Classification: Pathogenic for Primary ciliary dyskinesia 7. Review status: criteria provided, single submitter. Criteria: ACMG Guidelines, 2015. Collection method: clinical testing. Allele origin: germline. Affected: yes.

Literature cited by the submitters: PubMed 18022865 (cited by Labcorp Genetics (formerly Invitae), Labcorp); PubMed 20513915 (cited by Labcorp Genetics (formerly Invitae), Labcorp); PubMed 22184204 (cited by 3 submitters).

NM_001277115.2(DNAH11):c.4333C>T (p.Arg1445Ter)

Gene: DNAH11 (dynein axonemal heavy chain 11; plus strand). Cytogenetic location: 7p15.3.
Variant type: single nucleotide variant.
Coding change: c.4333C>T on transcript NM_001277115.2 (MANE Select); coding-DNA position 4333, C replaced by T.
Protein change: p.Arg1445Ter; replaces arginine 1445 with a stop codon.
Molecular consequence: nonsense.
Genome position (GRCh38, 1-based): chr7:21,619,178, C>T. VCF-style: chr7-21619178-C-T. GRCh37 (hg19) VCF-style: chr7-21658796-C-T.
Other names: short protein forms R1445*.
Identifiers: ClinVar variation 228332 (VCV000228332.20), dbSNP rs72657316, ClinGen allele CA4179997.